The following is an entry in ClinVar:

ClinVar aggregate classification (germline): Uncertain significance (1 of 4 stars; one submission).

Submission:

Ambry Genetics
Classification: Uncertain significance. Last evaluated: 2022-04-19. Review status: criteria provided, single submitter. Criteria: Ambry Variant Classification Scheme 2023. Collection method: clinical testing. Allele origin: germline.
Comment: The p.V1314D variant (also known as c.3941T>A), located in coding exon 16 of the POLQ gene, results from a T to A substitution at nucleotide position 3941. The valine at codon 1314 is replaced by aspartic acid, an amino acid with highly dissimilar properties. This amino acid position is conserved. In addition, this alteration is predicted to be tolerated by in silico analysis. Since supporting evidence is limited at this time, the clinical significance of this alteration remains unclear.

NM_199420.4(POLQ):c.3941T>A (p.Val1314Asp)

Gene: POLQ (DNA polymerase theta; minus strand). Cytogenetic location: 3q13.33.
Variant type: single nucleotide variant.
Coding change: c.3941T>A on transcript NM_199420.4 (MANE Select); coding-DNA position 3941, T replaced by A.
Protein change: p.Val1314Asp; replaces valine 1314 with aspartic acid.
Molecular consequence: missense variant.
Genome position (GRCh38, 1-based): chr3:121,488,990, A>T on the plus strand (T>A on the coding strand, the complement: POLQ is on the minus strand). VCF-style: chr3-121488990-A-T. GRCh37 (hg19) VCF-style: chr3-121207837-A-T.
Other names: short protein forms V1314D.
Identifiers: ClinVar variation 1736361 (VCV001736361.2), dbSNP rs2108798342, ClinGen allele CA354096596.
Genomic context (GRCh38, chr3:121,488,990, plus strand): 5'-TGTTGTATTATTTTCTCTGACTGAGTATCCAGATAGAAACTATCTTCAAAATCACAGAGG[A>T]CTAAACCTAAGTCAGAAACATGATTATTTTTAGTTTTGTTTGTTGTATAAGTACCTGTTT-3'
Protein context (NP_955452.3, residues 1304-1324): KNNHVSDLGL[Val1314Asp]LCDFEDSFYL